The following is an entry in ClinVar:

ClinVar aggregate classification (germline): Uncertain significance. Review status: criteria provided, multiple submitters, no conflicts (2 of 4 stars). 2 submissions from 2 submitters: Uncertain significance (2). Last evaluated 2023-08-16.

Conditions:
Emery-Dreifuss muscular dystrophy 4, autosomal dominant (EDMD4). Also called: EMERY-DREIFUSS MUSCULAR DYSTROPHY 4 WITH VARIABLE FEATURES. Identifiers: Orphanet 261, MedGen C2751807, MONDO:0013071, OMIM 612998.
Autosomal recessive ataxia, Beauce type. Also called: SYNE1-Related Autosomal Recessive Cerebellar Ataxia; Spinocerebellar ataxia, autosomal recessive 8; ATAXIA, RECESSIVE, OF BEAUCE; SYNE1 Deficiency. Identifiers: Orphanet 88644, MedGen C1853116, MONDO:0012549, OMIM 610743.

Submissions (2):

Labcorp Genetics (formerly Invitae), Labcorp
Classification: Uncertain significance for Emery-Dreifuss muscular dystrophy 4, autosomal dominant; Autosomal recessive ataxia, Beauce type. Last evaluated: 2023-08-16. Review status: criteria provided, single submitter. Criteria: Invitae Variant Classification Sherloc (09022015). Collection method: clinical testing. Allele origin: germline.
Comment: In summary, the available evidence is currently insufficient to determine the role of this variant in disease. Therefore, it has been classified as a Variant of Uncertain Significance. An algorithm developed to predict the effect of missense changes on protein structure and function (PolyPhen-2) suggests that this variant is likely to be tolerated. ClinVar contains an entry for this variant (Variation ID: 593717). This variant has not been reported in the literature in individuals affected with SYNE1-related conditions. This variant is not present in population databases (gnomAD no frequency). This sequence change replaces glutamine, which is neutral and polar, with lysine, which is basic and polar, at codon 5534 of the SYNE1 protein (p.Gln5534Lys).

Eurofins Ntd Llc (ga)
Classification: Uncertain significance. Last evaluated: 2017-08-22. Review status: criteria provided, single submitter. Criteria: EGL Classification Definitions 2015. Collection method: clinical testing. Allele origin: germline. Observed: 1 variant allele, 1 heterozygote.

NM_182961.4(SYNE1):c.16813C>A (p.Gln5605Lys)

Genes: SYNE1 (spectrin repeat containing nuclear envelope protein 1; minus strand), LOC126859837 (BRD4-independent group 4 enhancer GRCh37_chr6:152630775-152631974; plus strand). Cytogenetic location: 6q25.2.
Variant type: single nucleotide variant.
Coding change: c.16813C>A on transcript NM_182961.4 (MANE Select); coding-DNA position 16813, C replaced by A.
Protein change: p.Gln5605Lys; replaces glutamine 5605 with lysine.
Molecular consequence: missense variant.
Genome position (GRCh38, 1-based): chr6:152,310,771, G>T on the plus strand (C>A on the coding strand, the complement: SYNE1 is on the minus strand). VCF-style: chr6-152310771-G-T. GRCh37 (hg19) VCF-style: chr6-152631906-G-T.
Other names: c.16600C>A, p.Gln5534Lys (NM_033071.5); short protein forms Q5534K, Q5605K.
Identifiers: ClinVar variation 593717 (VCV000593717.8), dbSNP rs1045463275, ClinGen allele CA150206394.